The following is an entry in ClinVar:

ClinVar aggregate classification (germline): Likely benign. Review status: criteria provided, multiple submitters, no conflicts (2 of 4 stars). 3 submissions from 3 submitters: Likely benign (2). 1 of the submissions does not count toward it. Last evaluated 2025-04-23.

Conditions:
GRM6-related disorder. Also called: GRM6-related condition.

Allele frequency attached by ClinVar (database versions not stated): gnomAD exomes 0.00003 and 0.00011; ExAC 0.00004; gnomAD 0.00004; ESP Exome Variant Server 0.00015.

Submissions (3):

Labcorp Genetics (formerly Invitae), Labcorp
Classification: Likely benign. Last evaluated: 2025-04-23. Review status: criteria provided, single submitter. Criteria: Invitae Variant Classification Sherloc (09022015). Collection method: clinical testing. Allele origin: germline.

Blueprint Genetics
Classification: Likely benign. Last evaluated: 2022-04-28. Review status: criteria provided, single submitter. Criteria: ACMG Guidelines, 2015. Collection method: clinical testing. Allele origin: germline.

PreventionGenetics, part of Exact Sciences
Classification: Likely benign for GRM6-related condition. Last evaluated: 2019-07-16. Review status: no assertion criteria provided. Collection method: clinical testing. Allele origin: germline. Not counted in ClinVar's aggregate classification.
Comment: This variant is classified as likely benign based on ACMG/AMP sequence variant interpretation guidelines (Richards et al. 2015 PMID: 25741868, with internal and published modifications).

NM_000843.4(GRM6):c.1149C>T (p.Cys383=)

Genes: GRM6 (glutamate metabotropic receptor 6; minus strand), ZNF454 (zinc finger protein 454; plus strand). Cytogenetic location: 5q35.3.
Variant type: single nucleotide variant.
Coding change: c.1149C>T on transcript NM_000843.4 (MANE Select); coding-DNA position 1149, C replaced by T.
Protein change: p.Cys383=; no amino-acid change (cysteine 383 retained).
Molecular consequence: synonymous variant.
Genome position (GRCh38, 1-based): chr5:178,989,269, G>A on the plus strand (C>T on the coding strand, the complement: GRM6 is on the minus strand). VCF-style: chr5-178989269-G-A. GRCh37 (hg19) VCF-style: chr5-178416270-G-A.
Other names: c.1149C>T (NM_000843.3).
Identifiers: ClinVar variation 1085990 (VCV001085990.12), dbSNP rs372366127, ClinGen allele CA3594229.